The following is an entry in ClinVar:

NM_017570.5(OPLAH):c.2832C>T (p.Tyr944=)

Gene: OPLAH (5-oxoprolinase, ATP-hydrolysing; minus strand). Cytogenetic location: 8q24.3.
Variant type: single nucleotide variant.
Coding change: c.2832C>T on transcript NM_017570.5 (MANE Select); coding-DNA position 2832, C replaced by T.
Protein change: p.Tyr944=; no amino-acid change (tyrosine 944 retained).
Molecular consequence: synonymous variant.
Genome position (GRCh38, 1-based): chr8:144,053,248, G>A on the plus strand (C>T on the coding strand, the complement: OPLAH is on the minus strand). VCF-style: chr8-144053248-G-A. GRCh37 (hg19) VCF-style: chr8-145108151-G-A.
Other names: c.2832C>T (NM_017570.4).
Identifiers: ClinVar variation 1164217 (VCV001164217.10), dbSNP rs61732533, ClinGen allele CA4931323.

ClinVar aggregate classification (germline): Benign. Review status: criteria provided, multiple submitters, no conflicts (2 of 4 stars). 3 submissions from 3 submitters: Benign (2). 1 of the submissions does not count toward it. Last evaluated 2026-02-01.

Conditions:
OPLAH-related disorder. Also called: OPLAH-related condition.
5-Oxoprolinase deficiency (OPLAHD). Also called: 5-OXOPROLINURIA DUE TO 5-OXOPROLINASE DEFICIENCY. Identifiers: Orphanet 33572, MedGen C0268525, MONDO:0009825, OMIM 260005, HP:0040142.

Allele frequency attached by ClinVar (database versions not stated): 1000 Genomes Project 30x 0.01499; 1000 Genomes Project 0.01518; TOPMed 0.02968; ExAC 0.03025; gnomAD exomes 0.03048 and 0.04324; gnomAD 0.03101 and 0.03206; ESP Exome Variant Server 0.03119.
gnomAD v4.1: 67,575 of 1,612,872 alleles (4.2%); highest among the groups gnomAD compares: Non-Finnish European, 5%; 1,654 homozygotes.

Submissions (3):

Labcorp Genetics (formerly Invitae), Labcorp
Classification: Benign for 5-Oxoprolinase deficiency. Last evaluated: 2026-02-01. Review status: criteria provided, single submitter. Criteria: Invitae Variant Classification Sherloc (09022015). Collection method: clinical testing. Allele origin: germline.

Breakthrough Genomics
Classification: Benign. Review status: criteria provided, single submitter. Criteria: ACMG Guidelines, 2015. Collection method: not provided. Allele origin: germline. Inheritance: Autosomal recessive inheritance. Affected: yes.

PreventionGenetics, part of Exact Sciences
Classification: Benign for OPLAH-related condition. Last evaluated: 2021-07-05. Review status: no assertion criteria provided. Collection method: clinical testing. Allele origin: germline. Not counted in ClinVar's aggregate classification.
Comment: This variant is classified as benign based on ACMG/AMP sequence variant interpretation guidelines (Richards et al. 2015 PMID: 25741868, with internal and published modifications).